The following is an entry in ClinVar:

ClinVar aggregate classification (germline): Likely pathogenic (1 of 4 stars; one submission).

Conditions:
AHDC1-related intellectual disability - obstructive sleep apnea - mild dysmorphism syndrome. Also called: Xia-Gibbs syndrome. Identifiers: Orphanet 412069, MedGen C4014419, MONDO:0014358, OMIM 615829.

Submission:

3billion
Classification: Likely pathogenic for AHDC1-related intellectual disability - obstructive sleep apnea - mild dysmorphism syndrome. Review status: criteria provided, single submitter. Criteria: ACMG Guidelines, 2015. Collection method: clinical testing. Allele origin: unknown. Affected: yes. Observed: 1 heterozygote.
Comment: The variant is not observed in the gnomAD v2.1.1 dataset. The variant is predicted to result in a loss or disruption of normal protein function through nonsense-mediated decay (NMD) or protein truncation. Multiple pathogenic variants are reported downstream of the variant. Therefore, this variant is classified as Likely pathogenic according to the recommendation of ACMG/AMP guideline.

NM_001371928.1(AHDC1):c.1140del (p.Lys381fs)

Gene: AHDC1 (AT-hook DNA binding motif containing 1; minus strand). Cytogenetic location: 1p36.11.
Variant type: Deletion.
Coding change: c.1140del on transcript NM_001371928.1 (MANE Select); coding-DNA position 1140, one base deleted (C; older notation c.1140delC).
Protein change: p.Lys381fs; shifts the reading frame from lysine 381.
Molecular consequence: frameshift variant.
Genome position (GRCh38, 1-based): chr1:27,550,976, G deleted on the plus strand (C on the coding strand, the reverse complement: AHDC1 is on the minus strand); the first of 4 consecutive G bases (chr1:27,550,976-27,550,979); deleting any one gives the same sequence. VCF-style (leftmost placement, unchanged base first): chr1-27550975-TG-T. GRCh37 (hg19) VCF-style: chr1-27877486-TG-T.
Other names: c.1140del, p.Lys381fs (NM_001029882.3); short protein forms K381fs.
Identifiers: ClinVar variation 2572453 (VCV002572453.1), dbSNP rs2522040297, ClinGen allele CA2580612927.